The following is an entry in ClinVar:

NM_005476.7(GNE):c.2071G>A (p.Val691Met)

Gene: GNE (glucosamine (UDP-N-acetyl)-2-epimerase/N-acetylmannosamine kinase; minus strand). Cytogenetic location: 9p13.3.
Variant type: single nucleotide variant.
Coding change: c.2071G>A on transcript NM_005476.7 (MANE Select); coding-DNA position 2071, G replaced by A.
Protein change: p.Val691Met; replaces valine 691 with methionine.
Molecular consequence: missense variant.
Genome position (GRCh38, 1-based): chr9:36,217,463, C>T on the plus strand (G>A on the coding strand, the complement: GNE is on the minus strand). VCF-style: chr9-36217463-C-T. GRCh37 (hg19) VCF-style: chr9-36217460-C-T.
Other names: c.2164G>A, p.Val722Met (NM_001128227.3); c.1849G>A, p.Val617Met (NM_001190383.3); c.1741G>A, p.Val581Met (NM_001190384.3); c.1894G>A, p.Val632Met (NM_001190388.2, NM_001374798.1); c.1918G>A, p.Val640Met (NM_001374797.1); c.2164G>A (NM_001128227.2); short protein forms V632M, V640M, V581M, V691M, V722M, V617M.
Identifiers: ClinVar variation 1429599 (VCV001429599.6), dbSNP rs763775540, ClinGen allele CA5056355.

ClinVar aggregate classification (germline): Uncertain significance. Review status: criteria provided, multiple submitters, no conflicts (2 of 4 stars). 2 submissions from 2 submitters: Uncertain significance (2). Last evaluated 2024-07-17.

Conditions:
GNE myopathy (NM). Also called: MYOPATHY, DISTAL, WITH OR WITHOUT RIMMED VACUOLES; INCLUSION BODY MYOPATHY, HEREDITARY, AUTOSOMAL RECESSIVE; IBM 2; Inclusion body myopathy autosomal recessive; Inclusion body myopathy quadriceps sparing; NONAKA DISTAL MYOPATHY. Identifiers: Orphanet 602, MedGen C1853926, MONDO:0011603, OMIM 605820.
Sialuria. Also called: Sialic Acid Storage Disease; SIALURIA, FRENCH TYPE. Identifiers: Orphanet 3166, MedGen C0342853, MONDO:0010028, OMIM 269921.

Allele frequency attached by ClinVar (database versions not stated): gnomAD exomes below 0.00001 and 0.00001; TOPMed below 0.00001; ExAC 0.00001; gnomAD 0.00001.
gnomAD v4.1: 15 of 1,613,942 alleles (0.00093%); highest among the groups gnomAD compares: South Asian, 0.0055%; no homozygotes.

Submissions (2):

Labcorp Genetics (formerly Invitae), Labcorp
Classification: Uncertain significance for Sialuria; GNE myopathy. Last evaluated: 2024-07-17. Review status: criteria provided, single submitter. Criteria: Invitae Variant Classification Sherloc (09022015). Collection method: clinical testing. Allele origin: germline.
Comment: This sequence change replaces valine, which is neutral and non-polar, with methionine, which is neutral and non-polar, at codon 722 of the GNE protein (p.Val722Met). This variant is present in population databases (rs763775540, gnomAD 0.003%). This variant has not been reported in the literature in individuals affected with GNE-related conditions. ClinVar contains an entry for this variant (Variation ID: 1429599). Advanced modeling of protein sequence and biophysical properties (such as structural, functional, and spatial information, amino acid conservation, physicochemical variation, residue mobility, and thermodynamic stability) has been performed at Invitae for this missense variant, however the output from this modeling did not meet the statistical confidence thresholds required to predict the impact of this variant on GNE protein function. In summary, the available evidence is currently insufficient to determine the role of this variant in disease. Therefore, it has been classified as a Variant of Uncertain Significance.

Revvity Omics, Revvity
Classification: Uncertain significance. Last evaluated: 2019-03-14. Review status: criteria provided, single submitter. Criteria: ACMG Guidelines, 2015. Collection method: clinical testing. Allele origin: germline.